The following is an entry in ClinVar:

ClinVar aggregate classification (germline): Uncertain significance (1 of 4 stars; one submission).

Conditions:
Hereditary cancer-predisposing syndrome. Also called: Hereditary Cancer Syndrome; Neoplastic Syndromes, Hereditary; Tumor predisposition; Hereditary neoplastic syndrome. Identifiers: Orphanet 140162, MedGen C0027672, MeSH D009386, MONDO:0015356.

Submission:

Ambry Genetics
Classification: Uncertain significance for Hereditary cancer-predisposing syndrome. Last evaluated: 2022-08-04. Review status: criteria provided, single submitter. Criteria: Ambry Variant Classification Scheme 2023. Collection method: clinical testing. Allele origin: germline.
Comment: The p.R174L variant (also known as c.521G>T), located in coding exon 5 of the FANCC gene, results from a G to T substitution at nucleotide position 521. The amino acid change results in arginine to leucine at codon 174, an amino acid with dissimilar properties. However, this change occurs in the last base pair of coding exon 5, which makes it likely to have some effect on normal mRNA splicing. This nucleotide position is well conserved in available vertebrate species. In silico splice site analysis predicts that this alteration will weaken the native splice donor site. This amino acid position is well conserved in available vertebrate species. In addition, as a missense substitution this is predicted to be tolerated by in silico analysis. Since supporting evidence is limited at this time, the clinical significance of this alteration remains unclear.

NM_000136.3(FANCC):c.521G>T (p.Arg174Leu)

Gene: FANCC (FA complementation group C; minus strand). Cytogenetic location: 9q22.32.
Variant type: single nucleotide variant.
Coding change: c.521G>T on transcript NM_000136.3 (MANE Select); coding-DNA position 521, G replaced by T.
Protein change: p.Arg174Leu; replaces arginine 174 with leucine.
Molecular consequence: missense variant.
Genome position (GRCh38, 1-based): chr9:95,171,079, C>A on the plus strand (G>T on the coding strand, the complement: FANCC is on the minus strand). VCF-style: chr9-95171079-C-A. GRCh37 (hg19) VCF-style: chr9-97933361-C-A.
Other names: c.521G>T, p.Arg174Leu (NM_001243743.2, NM_001243744.2); short protein forms R174L.
Identifiers: ClinVar variation 1746158 (VCV001746158.2), dbSNP rs755283850, ClinGen allele CA374338538.